The following is an entry in ClinVar:

NM_032043.3(BRIP1):c.1104C>T (p.Pro368=)

Gene: BRIP1 (BRCA1 interacting DNA helicase 1; minus strand). Cytogenetic location: 17q23.2.
Variant type: single nucleotide variant.
Coding change: c.1104C>T on transcript NM_032043.3 (MANE Select); coding-DNA position 1104, C replaced by T.
Protein change: p.Pro368=; no amino-acid change (proline 368 retained).
Molecular consequence: synonymous variant.
Genome position (GRCh38, 1-based): chr17:61,801,289, G>A on the plus strand (C>T on the coding strand, the complement: BRIP1 is on the minus strand). VCF-style: chr17-61801289-G-A. GRCh37 (hg19) VCF-style: chr17-59878650-G-A.
Identifiers: ClinVar variation 491399 (VCV000491399.16), dbSNP rs1555607667, ClinGen allele CA501151764.

ClinVar aggregate classification (germline): Benign/Likely benign. Review status: criteria provided, multiple submitters, no conflicts (2 of 4 stars). 5 submissions from 5 submitters: Benign (1); Likely benign (4). Last evaluated 2024-08-23.

Conditions:
Fanconi anemia complementation group J. Also called: BRIP1-Related Fanconi Anemia. Identifiers: Orphanet 84, MedGen C1836860, MONDO:0012187, OMIM 609054.
Familial cancer of breast. Also called: BREAST CANCER, FAMILIAL; hereditary breast carcinoma; Hereditary breast cancer. Identifiers: Orphanet 227535, MedGen C0346153, MONDO:0016419, OMIM 114480. Disease mechanism: loss of function.
Hereditary cancer-predisposing syndrome. Also called: Tumor predisposition; Neoplastic Syndromes, Hereditary; Hereditary Cancer Syndrome; Hereditary neoplastic syndrome. Identifiers: Orphanet 140162, MedGen C0027672, MeSH D009386, MONDO:0015356.

Submissions (5):

Myriad Genetics, Inc.
Classification: Benign for Familial cancer of breast. Last evaluated: 2024-08-23. Review status: criteria provided, single submitter. Criteria: Myriad Autosomal Dominant, Autosomal Recessive and X-Linked Classification Criteria (2023). Collection method: clinical testing. Allele origin: unknown.
Comment: This variant is considered benign. This variant is a silent/synonymous amino acid change and it is not expected to impact splicing.

Labcorp Genetics (formerly Invitae), Labcorp
Classification: Likely benign for Familial cancer of breast; Fanconi anemia complementation group J. Last evaluated: 2024-05-28. Review status: criteria provided, single submitter. Criteria: Invitae Variant Classification Sherloc (09022015). Collection method: clinical testing. Allele origin: germline.

Color Diagnostics, LLC DBA Color Health
Classification: Likely benign for Hereditary cancer-predisposing syndrome. Last evaluated: 2017-08-18. Review status: criteria provided, single submitter. Criteria: ACMG Guidelines, 2015. Collection method: clinical testing. Allele origin: germline.

GeneDx
Classification: Likely benign. Last evaluated: 2017-08-02. Review status: criteria provided, single submitter. Criteria: GeneDx Variant Classification (06012015). Collection method: clinical testing. Allele origin: germline. Affected: yes.
Comment: This variant is considered likely benign or benign based on one or more of the following criteria: it is a conservative change, it occurs at a poorly conserved position in the protein, it is predicted to be benign by multiple in silico algorithms, and/or has population frequency not consistent with disease.

Ambry Genetics
Classification: Likely benign for Hereditary cancer-predisposing syndrome. Last evaluated: 2015-11-03. Review status: criteria provided, single submitter. Criteria: Ambry Variant Classification Scheme 2023. Collection method: clinical testing. Allele origin: germline.